The following is an entry in ClinVar:

NM_000937.5(POLR2A):c.3275C>T (p.Ala1092Val)

Gene: POLR2A (RNA polymerase II subunit A; plus strand). Cytogenetic location: 17p13.1.
Variant type: single nucleotide variant.
Coding change: c.3275C>T on transcript NM_000937.5 (MANE Select); coding-DNA position 3275, C replaced by T.
Protein change: p.Ala1092Val; replaces alanine 1092 with valine.
Molecular consequence: missense variant.
Genome position (GRCh38, 1-based): chr17:7,508,285, C>T. VCF-style: chr17-7508285-C-T. GRCh37 (hg19) VCF-style: chr17-7411604-C-T.
Other names: short protein forms A1092V.
Identifiers: ClinVar variation 873144 (VCV000873144.2), dbSNP rs2070664416, ClinGen allele CA397806214.

ClinVar aggregate classification (germline): Uncertain significance. Review status: criteria provided, single submitter (1 of 4 stars). 2 submissions from 2 submitters: Uncertain significance (1). 1 of the submissions does not count toward it. Last evaluated 2024-12-21.

Conditions:
Neurodevelopmental disorder with hypotonia and variable intellectual and behavioral abnormalities. Identifiers: MedGen C5231423, MONDO:0032829, OMIM 618603.

Submissions (2):

3billion
Classification: Uncertain significance for Neurodevelopmental disorder with hypotonia and variable intellectual and behavioral abnormalities. Last evaluated: 2024-12-21. Review status: criteria provided, single submitter. Criteria: ACMG Guidelines, 2015. Collection method: clinical testing. Allele origin: germline. Affected: yes.
Comment: The variant is not observed in the gnomAD v4.1.0 dataset. Predicted Consequence/Location: Missense variant. Missense changes are a common disease-causing mechanism. The same nucleotide change resulting in the same amino acid change has been previously reported to be associated with POLR2A-related disorder (ClinVar ID: VCV000873144). However, the evidence of pathogenicity is insufficient at this time. Therefore, this variant is classified as VUS according to the recommendation of ACMG/AMP guideline.

Human Genome Sequencing Center Clinical Lab, Baylor College of Medicine
Classification: Likely pathogenic for Neurodevelopmental disorder with hypotonia and variable intellectual and behavioral abnormalities. Last evaluated: 2020-05-08. Review status: no assertion criteria provided. Collection method: clinical testing. Allele origin: unknown. Affected: yes. Observed: 1 variant allele. Not counted in ClinVar's aggregate classification.
Comment: Pathogenicity supported by functional studies